The following is an entry in ClinVar:

NM_001099409.3(EHBP1L1):c.491+1G>A

Gene: EHBP1L1 (EH domain binding protein 1 like 1; plus strand). Cytogenetic location: 11q13.1.
Variant type: single nucleotide variant.
Coding change: c.491+1G>A on transcript NM_001099409.3 (MANE Select); the canonical splice donor site of the intron after coding-DNA position 491, G replaced by A.
Molecular consequence: splice donor variant.
Genome position (GRCh38, 1-based): chr11:65,580,260, G>A. VCF-style: chr11-65580260-G-A. GRCh37 (hg19) VCF-style: chr11-65347731-G-A.
Other names: c.491+1G>A (NM_001351087.2).
Identifiers: ClinVar variation 3377198 (VCV003377198.1).

ClinVar aggregate classification (germline): Likely pathogenic (1 of 4 stars; one submission).

Conditions:
Non-immune hydrops fetalis (NIHF). Also called: Fetal edema; Idiopathic hydrops fetalis; Familial non-immune hydrops fetalis. Identifiers: Orphanet 363999, MedGen C0455988, MONDO:0009369, OMIM 236750, HP:0001790.

gnomAD v4.1: 9 of 1,613,364 alleles (0.00056%); highest among the groups gnomAD compares: Middle Eastern, 0.05%; no homozygotes.

Submission:

Victorian Clinical Genetics Services, Murdoch Childrens Research Institute
Classification: Likely pathogenic for Non-immune hydrops fetalis. Last evaluated: 2024-10-09. Review status: criteria provided, single submitter. Criteria: ACMG Guidelines, 2015. Collection method: clinical testing. Allele origin: germline. Inheritance: Autosomal recessive inheritance. Affected: yes.
Comment: Based on the classification scheme VCGS_Germline_v1.3.4, this variant is classified as Likely pathogenic. Following criteria are met: 0105 - The mechanism of disease for this gene is not clearly established. However, loss of function is a likely mechanism of disease (PMID: 34645488). (I) 0106 - This gene is associated with autosomal recessive disease. (I) 0211 - Canonical splice site variant without proven consequence on splicing (no functional evidence available). (SP) 0252 - This variant is homozygous. (I) 0304 - Variant is present in gnomAD (v2) <0.01 for a recessive condition (2 heterozygotes, 0 homozygotes). (SP) 0505 - Abnormal splicing is predicted by in silico tools and affected nucleotide is highly conserved. (SP) 0705 - No comparable splice variants have previous evidence for pathogenicity. (I) 0807 - This variant has no previous evidence of pathogenicity. (I) 0905 - No published segregation evidence has been identified for this variant. (I) 1007 - No published functional evidence has been identified for this variant. (I) Legend: (SP) - Supporting pathogenic, (I) - Information, (SB) - Supporting benign

Literature cited by the submitters: PubMed 34645488.